The following is an entry in ClinVar:

ClinVar aggregate classification (germline): Conflicting classifications of pathogenicity. Review status: criteria provided, conflicting classifications (1 of 4 stars). 3 submissions from 3 submitters: Uncertain significance (1); Likely benign (2). Last evaluated 2024-10-13.

Conditions:
Hereditary spastic paraplegia. Also called: Familial spastic paraparesis. Identifiers: Orphanet 685, MedGen C0037773, MONDO:0019064. Disease mechanism: loss of function.
Hereditary spastic paraplegia 48. Also called: SPASTIC PARAPLEGIA 48, AUTOSOMAL RECESSIVE; Spastic paraplegia 48. Identifiers: Orphanet 306511, MedGen C3150901, MONDO:0013342, OMIM 613647.

Allele frequency attached by ClinVar (database versions not stated): ExAC 0.00009; TOPMed 0.00009; gnomAD 0.00010.

Submissions (3):

Labcorp Genetics (formerly Invitae), Labcorp
Classification: Likely benign for Hereditary spastic paraplegia 48. Last evaluated: 2024-10-13. Review status: criteria provided, single submitter. Criteria: Invitae Variant Classification Sherloc (09022015). Collection method: clinical testing. Allele origin: germline.

CeGaT Center for Human Genetics Tuebingen
Classification: Likely benign. Last evaluated: 2023-01-01. Review status: criteria provided, single submitter. Criteria: CeGaT Center For Human Genetics Tuebingen Variant Classification Criteria Version 2. Collection method: clinical testing. Allele origin: germline. Affected: yes. Observed: 1 variant allele.
Comment: AP5Z1: BP4, BP7

Genome Diagnostics Laboratory, The Hospital for Sick Children
Classification: Uncertain significance for Hereditary spastic paraplegia. Last evaluated: 2017-03-10. Review status: criteria provided, single submitter. Criteria: ACMG Guidelines, 2015. Collection method: clinical testing. Allele origin: germline. Affected: yes.

NM_014855.3(AP5Z1):c.636C>T (p.Thr212=)

Gene: AP5Z1 (adaptor related protein complex 5 subunit zeta 1; plus strand). Cytogenetic location: 7p22.1.
Variant type: single nucleotide variant.
Coding change: c.636C>T on transcript NM_014855.3 (MANE Select); coding-DNA position 636, C replaced by T.
Protein change: p.Thr212=; no amino-acid change (threonine 212 retained).
Molecular consequence: synonymous variant. On other transcripts: non-coding transcript variant (1).
Genome position (GRCh38, 1-based): chr7:4,784,217, C>T. VCF-style: chr7-4784217-C-T. GRCh37 (hg19) VCF-style: chr7-4823848-C-T.
Other names: c.168C>T, p.Thr56= (NM_001364858.1).
Identifiers: ClinVar variation 698580 (VCV000698580.34), dbSNP rs777143531, ClinGen allele CA4137300.